The following is an entry in ClinVar:

GRCh37/hg19 Xp21.3-21.2(chrX:28983262-29783445)x1

Gene: IL1RAPL1 (interleukin 1 receptor accessory protein like 1; plus strand). Cytogenetic location: Xp21.3-21.2.
Variant type: copy number loss.
Change: copy number 1 of chrX:28,983,262-29,783,445 (800.2 kb, GRCh37 coordinates, 1-based), cytogenetic band Xp21.3-21.2.
Identifiers: ClinVar variation 2446468 (VCV002446468.3).

ClinVar aggregate classification (germline): Pathogenic (0 of 4 stars; one submission).

Submission:

Medicover Genetics GmbH, Medicover Humangenetik Berlin-Lichtenberg MVZ
Classification: Pathogenic. Last evaluated: 2023-04-28. Review status: no assertion criteria provided. Collection method: clinical testing. Allele origin: unknown. Affected: yes. Observed: 1 heterozygote.

Literature cited by the submitters: PubMed 28576939; PubMed 30548231; PubMed 21271657; PubMed 33667650.